The following is an entry in ClinVar:

ClinVar aggregate classification (germline): Uncertain significance (1 of 4 stars; one submission).

Conditions:
Intellectual developmental disorder, autosomal recessive 7. Also called: Intellectual disability, autosomal recessive 7. Identifiers: Orphanet 88616, MedGen C1970197, MONDO:0012615, OMIM 611093.

gnomAD v4.1: 1 of 1,612,786 alleles (0.000062%); highest among the groups gnomAD compares: Non-Finnish European, 0.000085%; no homozygotes.

Submission:

Labcorp Genetics (formerly Invitae), Labcorp
Classification: Uncertain significance for Intellectual developmental disorder, autosomal recessive 7. Last evaluated: 2022-03-12. Review status: criteria provided, single submitter. Criteria: Invitae Variant Classification Sherloc (09022015). Collection method: clinical testing. Allele origin: germline.
Comment: In summary, the available evidence is currently insufficient to determine the role of this variant in disease. Therefore, it has been classified as a Variant of Uncertain Significance. Algorithms developed to predict the effect of missense changes on protein structure and function are either unavailable or do not agree on the potential impact of this missense change (SIFT: "Deleterious"; PolyPhen-2: "Probably Damaging"; Align-GVGD: "Class C15"). This variant has not been reported in the literature in individuals affected with TUSC3-related conditions. This variant is not present in population databases (gnomAD no frequency). This sequence change replaces arginine, which is basic and polar, with threonine, which is neutral and polar, at codon 194 of the TUSC3 protein (p.Arg194Thr).

NM_006765.4(TUSC3):c.581G>C (p.Arg194Thr)

Gene: TUSC3 (tumor suppressor candidate 3; plus strand). Cytogenetic location: 8p22.
Variant type: single nucleotide variant.
Coding change: c.581G>C on transcript NM_006765.4 (MANE Select); coding-DNA position 581, G replaced by C.
Protein change: p.Arg194Thr; replaces arginine 194 with threonine.
Molecular consequence: missense variant.
Genome position (GRCh38, 1-based): chr8:15,662,169, G>C. VCF-style: chr8-15662169-G-C. GRCh37 (hg19) VCF-style: chr8-15519678-G-C.
Other names: c.581G>C, p.Arg194Thr (NM_001356429.2, NM_001413583.1, NM_001413673.1 and 16 more transcripts); c.413G>C, p.Arg138Thr (NM_001413669.1, NM_001413671.1, NM_001413672.1); c.521G>C, p.Arg174Thr (NM_001413670.1); c.149G>C, p.Arg50Thr (NM_001413677.1); c.194G>C, p.Arg65Thr (NM_001413678.1); c.575G>C, p.Arg192Thr (NM_001413690.1); short protein forms R65T, R138T, R194T, R50T, R174T, R192T.
Identifiers: ClinVar variation 2110243 (VCV002110243.4), dbSNP rs1807451881, ClinGen allele CA370386009.